The following is an entry in ClinVar:

ClinVar aggregate classification (germline): Conflicting classifications of pathogenicity. Review status: criteria provided, conflicting classifications (1 of 4 stars). 3 submissions from 3 submitters: Uncertain significance (2); Likely benign (1). Last evaluated 2025-10-28.

Allele frequency attached by ClinVar (database versions not stated): gnomAD 0.00001; gnomAD exomes 0.00001; ExAC 0.00001.
gnomAD v4.1: 10 of 1,604,598 alleles (0.00062%); highest among the groups gnomAD compares: Middle Eastern, 0.099%; no homozygotes.

Submissions (3):

Athena Diagnostics
Classification: Uncertain significance. Last evaluated: 2025-10-28. Review status: criteria provided, single submitter. Criteria: Athena Diagnostics Criteria. Collection method: clinical testing. Allele origin: unknown.
Comment: Available data are insufficient to determine the clinical significance of the variant at this time. The frequency of this variant in the general population is uninformative in assessment of its pathogenicity. Polyphen and MutationTaster yielded discordant predictions regarding whether this amino acid change is damaging to the protein.

Revvity Omics, Revvity
Classification: Uncertain significance. Last evaluated: 2022-06-16. Review status: criteria provided, single submitter. Criteria: ACMG Guidelines, 2015. Collection method: clinical testing. Allele origin: germline.

GeneDx
Classification: Likely benign. Last evaluated: 2018-04-05. Review status: criteria provided, single submitter. Criteria: GeneDx Variant Classification (06012015). Collection method: clinical testing. Allele origin: germline. Affected: yes.
Comment: This variant is considered likely benign or benign based on one or more of the following criteria: it is a conservative change, it occurs at a poorly conserved position in the protein, it is predicted to be benign by multiple in silico algorithms, and/or has population frequency not consistent with disease.

NM_001267550.2(TTN):c.33127C>T (p.Pro11043Ser)

Gene: TTN (titin; minus strand). Cytogenetic location: 2q31.2.
Variant type: single nucleotide variant.
Coding change: c.33127C>T on transcript NM_001267550.2 (MANE Select); coding-DNA position 33127, C replaced by T.
Protein change: p.Pro11043Ser; replaces proline 11043 with serine.
Molecular consequence: missense variant. On other transcripts: intron variant (3).
Genome position (GRCh38, 1-based): chr2:178,681,706, G>A on the plus strand (C>T on the coding strand, the complement: TTN is on the minus strand). VCF-style: chr2-178681706-G-A. GRCh37 (hg19) VCF-style: chr2-179546433-G-A.
Other names: c.32176C>T, p.Pro10726Ser (NM_001256850.1); c.29395C>T, p.Pro9799Ser (NM_133378.4); c.13283-39389C>T (NM_003319.4); c.13859-39389C>T (NM_133437.4); c.13658-39389C>T (NM_133432.3); c.33127C>T (NM_001267550.1); short protein forms P11043S, P9799S, P10726S.
Identifiers: ClinVar variation 681563 (VCV000681563.5), dbSNP rs746514747, ClinGen allele CA1998447.
Genomic context (GRCh38, chr2:178,681,706, plus strand): 5'-TTTTTTTCACTCTACCTTTAGCCGGTGGGGCCTTTGGTTTTGTGGGAACTGGTTCTTCTG[G>A]GACAGGCTTTACAGGGATAGGCTTCTCTGGTTCTTTAAAAGTACATACAAGGTATTTCAT-3'
Protein context (NP_001254479.2, residues 11033-11053): PEKPIPVKPV[Pro11043Ser]EEPVPTKPKA